The following is an entry in ClinVar:

ClinVar aggregate classification (germline): Uncertain significance. Review status: criteria provided, multiple submitters, no conflicts (2 of 4 stars). 2 submissions from 2 submitters: Uncertain significance (2). Last evaluated 2026-03-21.

Conditions:
Cardiovascular phenotype. Identifiers: MedGen CN230736.

Submissions (2):

Ambry Genetics
Classification: Uncertain significance for Cardiovascular phenotype. Last evaluated: 2026-03-21. Review status: criteria provided, single submitter. Criteria: Ambry Variant Classification Scheme 2023. Collection method: clinical testing. Allele origin: germline.
Comment: The p.P1354Q variant (also known as c.4061C>A), located in coding exon 6 of the ALPK3 gene, results from a C to A substitution at nucleotide position 4061. The proline at codon 1354 is replaced by glutamine, an amino acid with similar properties. This amino acid position is conserved. In addition, this alteration is predicted to be tolerated by in silico analysis. Based on the available evidence, the clinical significance of this variant remains unclear.

Labcorp Genetics (formerly Invitae), Labcorp
Classification: Uncertain significance. Last evaluated: 2025-04-13. Review status: criteria provided, single submitter. Criteria: Invitae Variant Classification Sherloc (09022015). Collection method: clinical testing. Allele origin: germline.
Comment: This sequence change replaces proline, which is neutral and non-polar, with glutamine, which is neutral and polar, at codon 1354 of the ALPK3 protein (p.Pro1354Gln). The frequency data for this variant in the population databases is considered unreliable, as metrics indicate poor data quality at this position in the gnomAD database. This variant has not been reported in the literature in individuals affected with ALPK3-related conditions. ClinVar contains an entry for this variant (Variation ID: 2886708). Invitae Evidence Modeling of protein sequence and biophysical properties (such as structural, functional, and spatial information, amino acid conservation, physicochemical variation, residue mobility, and thermodynamic stability) indicates that this missense variant is expected to disrupt ALPK3 protein function with a positive predictive value of 80%. In summary, the available evidence is currently insufficient to determine the role of this variant in disease. Therefore, it has been classified as a Variant of Uncertain Significance.

NM_020778.5(ALPK3):c.3455C>A (p.Pro1152Gln)

Gene: ALPK3 (alpha kinase 3; plus strand). Cytogenetic location: 15q25.3.
Variant type: single nucleotide variant.
Coding change: c.3455C>A on transcript NM_020778.5 (MANE Select); coding-DNA position 3455, C replaced by A.
Protein change: p.Pro1152Gln; replaces proline 1152 with glutamine.
Molecular consequence: missense variant.
Genome position (GRCh38, 1-based): chr15:84,858,193, C>A. VCF-style: chr15-84858193-C-A. GRCh37 (hg19) VCF-style: chr15-85401424-C-A.
Other names: c.4061C>A (NM_020778.4); short protein forms P1152Q.
Identifiers: ClinVar variation 2886708 (VCV002886708.4), dbSNP rs772625009, ClinGen allele CA7709634.